The following is an entry in ClinVar:

NM_025114.4(CEP290):c.6841G>A (p.Glu2281Lys)

Gene: CEP290 (centrosomal protein 290; minus strand). Cytogenetic location: 12q21.32.
Variant type: single nucleotide variant.
Coding change: c.6841G>A on transcript NM_025114.4 (MANE Select); coding-DNA position 6841, G replaced by A.
Protein change: p.Glu2281Lys; replaces glutamic acid 2281 with lysine.
Molecular consequence: missense variant.
Genome position (GRCh38, 1-based): chr12:88,055,695, C>T on the plus strand (G>A on the coding strand, the complement: CEP290 is on the minus strand). VCF-style: chr12-88055695-C-T. GRCh37 (hg19) VCF-style: chr12-88449472-C-T.
Other names: c.6841G>A (NM_025114.3); short protein forms E2281K.
Identifiers: ClinVar variation 2931104 (VCV002931104.4), dbSNP rs2136656497, ClinGen allele CA385976649.

ClinVar aggregate classification (germline): Uncertain significance. Review status: criteria provided, single submitter (1 of 4 stars). 2 submissions from 2 submitters: Uncertain significance (1). 1 of the submissions does not count toward it. Last evaluated 2023-12-09.

Conditions:
CEP290-related disorder. Also called: CEP290-related condition; CEP290-related disorders. Identifiers: MedGen CN239314.
Joubert syndrome. Also called: CEREBELLOPARENCHYMAL DISORDER IV; JOUBERT-BOLTSHAUSER SYNDROME; Familial aplasia of the vermis. Identifiers: Orphanet 475, MedGen C5979921, MONDO:0018772.
Nephronophthisis. Also called: Juvenile Nephronophthisis. Identifiers: Orphanet 655, MedGen C0687120, MONDO:0019005, HP:0000090.
Meckel-Gruber syndrome. Also called: DYSENCEPHALIA SPLANCHNOCYSTICA; GRUBER SYNDROME; Dysencephalia splachnocystica. Identifiers: Orphanet 564, MedGen C0265215, MONDO:0018921.

Submissions (2):

Labcorp Genetics (formerly Invitae), Labcorp
Classification: Uncertain significance for Joubert syndrome; Meckel-Gruber syndrome; Nephronophthisis. Last evaluated: 2023-12-09. Review status: criteria provided, single submitter. Criteria: Invitae Variant Classification Sherloc (09022015). Collection method: clinical testing. Allele origin: germline.
Comment: This sequence change replaces glutamic acid, which is acidic and polar, with lysine, which is basic and polar, at codon 2281 of the CEP290 protein (p.Glu2281Lys). This variant is not present in population databases (gnomAD no frequency). This variant has not been reported in the literature in individuals affected with CEP290-related conditions. An algorithm developed to predict the effect of missense changes on protein structure and function (PolyPhen-2) suggests that this variant is likely to be tolerated. In summary, the available evidence is currently insufficient to determine the role of this variant in disease. Therefore, it has been classified as a Variant of Uncertain Significance.

PreventionGenetics, part of Exact Sciences
Classification: Uncertain significance for CEP290-related condition. Last evaluated: 2023-12-19. Review status: no assertion criteria provided. Collection method: clinical testing. Allele origin: germline. Not counted in ClinVar's aggregate classification.
Comment: The CEP290 c.6841G>A variant is predicted to result in the amino acid substitution p.Glu2281Lys. To our knowledge, this variant has not been reported in the literature or in a large population database, indicating this variant is rare. At this time, the clinical significance of this variant is uncertain due to the absence of conclusive functional and genetic evidence.